The following is an entry in ClinVar:

NM_000051.4(ATM):c.6296A>G (p.His2099Arg)

Genes: C11orf65 (chromosome 11 open reading frame 65; minus strand), ATM (ATM serine/threonine kinase; plus strand). Cytogenetic location: 11q22.3.
Variant type: single nucleotide variant.
Coding change: c.6296A>G on transcript NM_000051.4 (MANE Select); coding-DNA position 6296, A replaced by G.
Protein change: p.His2099Arg; replaces histidine 2099 with arginine.
Molecular consequence: missense variant. On other transcripts: intron variant (2).
Genome position (GRCh38, 1-based): chr11:108,317,470, A>G. VCF-style: chr11-108317470-A-G. GRCh37 (hg19) VCF-style: chr11-108188197-A-G.
Other names: c.6296A>G, p.His2099Arg (NM_001351834.2); c.641-8399T>C (NM_001330368.2); c.*39-8399T>C (NM_001351110.2); short protein forms H2099R.
Identifiers: ClinVar variation 142893 (VCV000142893.29), dbSNP rs587782802, ClinGen allele CA169700.

ClinVar aggregate classification (germline): Uncertain significance. Review status: criteria provided, multiple submitters, no conflicts (2 of 4 stars). 6 submissions from 6 submitters: Uncertain significance (5). 1 of the submissions does not count toward it. Last evaluated 2025-11-24.

Conditions:
Hereditary cancer-predisposing syndrome. Also called: Neoplastic Syndromes, Hereditary; Hereditary Cancer Syndrome; Tumor predisposition; Hereditary neoplastic syndrome. Identifiers: Orphanet 140162, MedGen C0027672, MeSH D009386, MONDO:0015356.
Familial cancer of breast. Also called: BREAST CANCER, FAMILIAL; hereditary breast carcinoma; Hereditary breast cancer. Identifiers: Orphanet 227535, MedGen C0346153, MONDO:0016419, OMIM 114480. Disease mechanism: loss of function.
Ataxia-telangiectasia syndrome (AT). Also called: Ataxia-telangiectasia, complementation group D; AT, COMPLEMENTATION GROUP C; Ataxia-telangiectasia; ATAXIA-TELANGIECTASIA, COMPLEMENTATION GROUP A; ATAXIA-TELANGIECTASIA, FRESNO VARIANT; Ataxia-telangiectasia, complementation group E. Identifiers: Orphanet 100, MedGen C0004135, MONDO:0008840, OMIM 208900.

Allele frequency attached by ClinVar (database versions not stated): gnomAD 0.00001.
gnomAD v4.1: 1 of 1,612,234 alleles (0.000062%); highest among the groups gnomAD compares: Admixed American, 0.0017%; no homozygotes.

Submissions (6):

Labcorp Genetics (formerly Invitae), Labcorp
Classification: Uncertain significance for Ataxia-telangiectasia syndrome. Last evaluated: 2025-11-24. Review status: criteria provided, single submitter. Criteria: Invitae Variant Classification Sherloc (09022015). Collection method: clinical testing. Allele origin: germline.
Comment: This sequence change replaces histidine, which is basic and polar, with arginine, which is basic and polar, at codon 2099 of the ATM protein (p.His2099Arg). This variant is not present in population databases (gnomAD no frequency). This variant has not been reported in the literature in individuals affected with ATM-related conditions. ClinVar contains an entry for this variant (Variation ID: 142893). Invitae Evidence Modeling of protein sequence and biophysical properties (such as structural, functional, and spatial information, amino acid conservation, physicochemical variation, residue mobility, and thermodynamic stability) indicates that this missense variant is not expected to disrupt ATM protein function with a negative predictive value of 95%. In summary, the available evidence is currently insufficient to determine the role of this variant in disease. Therefore, it has been classified as a Variant of Uncertain Significance.

Ambry Genetics
Classification: Uncertain significance for Hereditary cancer-predisposing syndrome. Last evaluated: 2025-08-23. Review status: criteria provided, single submitter. Criteria: Ambry Variant Classification Scheme 2023. Collection method: clinical testing. Allele origin: germline.
Comment: The p.H2099R variant (also known as c.6296A>G), located in coding exon 42 of the ATM gene, results from an A to G substitution at nucleotide position 6296. The histidine at codon 2099 is replaced by arginine, an amino acid with highly similar properties. This amino acid position is not well conserved in available vertebrate species. In addition, this alteration is predicted to be tolerated by in silico analysis. Since supporting evidence is limited at this time, the clinical significance of this alteration remains unclear.

GeneDx
Classification: Uncertain significance. Last evaluated: 2023-12-27. Review status: criteria provided, single submitter. Criteria: GeneDx Variant Classification Process June 2021. Collection method: clinical testing. Allele origin: germline. Affected: yes.
Comment: Not observed at significant frequency in large population cohorts (gnomAD); In silico analysis supports that this missense variant does not alter protein structure/function; Has not been previously published as pathogenic or benign to our knowledge; This variant is associated with the following publications: (PMID: 23532176)

Baylor Genetics
Classification: Uncertain significance for Familial cancer of breast. Last evaluated: 2023-09-08. Review status: criteria provided, single submitter. Criteria: ACMG Guidelines, 2015. Collection method: clinical testing. Allele origin: unknown.

Color Diagnostics, LLC DBA Color Health
Classification: Uncertain significance for Hereditary cancer-predisposing syndrome. Last evaluated: 2023-04-01. Review status: criteria provided, single submitter. Criteria: ACMG Guidelines, 2015. Collection method: clinical testing. Allele origin: germline.
Comment: This missense variant replaces histidine with arginine at codon 2099 of the ATM protein. Computational prediction suggests that this variant may not impact protein structure and function (internally defined REVEL score threshold <= 0.5, PMID: 27666373). To our knowledge, functional studies have not been reported for this variant. This variant has not been reported in individuals affected with ATM-related disorders in the literature. This variant has not been identified in the general population by the Genome Aggregation Database (gnomAD). The available evidence is insufficient to determine the role of this variant in disease conclusively. Therefore, this variant is classified as a Variant of Uncertain Significance.

Natera, Inc.
Classification: Uncertain significance for Ataxia-telangiectasia. Last evaluated: 2020-09-09. Review status: no assertion criteria provided. Collection method: clinical testing. Allele origin: germline. Not counted in ClinVar's aggregate classification.